The following is an entry in ClinVar:

NM_001044.5(SLC6A3):c.419-5G>A

Gene: SLC6A3 (solute carrier family 6 member 3). Cytogenetic location: 5p15.33.
Variant type: single nucleotide variant.
Coding change: c.419-5G>A on transcript NM_001044.5 (MANE Select); 5 bases into the intron before coding-DNA position 419, G replaced by A.
Molecular consequence: intron variant.
Genome position (GRCh38, 1-based): chr5:1,432,703, C>T on the plus strand (G>A on the coding strand, the complement: SLC6A3 is on the minus strand). VCF-style: chr5-1432703-C-T. GRCh37 (hg19) VCF-style: chr5-1432818-C-T.
Other names: c.419-5G>A (NM_001044.4).
Identifiers: ClinVar variation 1984777 (VCV001984777.5), dbSNP rs369492734, ClinGen allele CA3186372.

ClinVar aggregate classification (germline): Likely benign. Review status: criteria provided, multiple submitters, no conflicts (2 of 4 stars). 2 submissions from 2 submitters: Likely benign (2). Last evaluated 2025-10-19.

Conditions:
Parkinsonism-dystonia, infantile. Identifiers: Orphanet 238455, MedGen C2751067, MONDO:0013150.
SLC6A3-related disorder. Also called: SLC6A3-related condition.

Allele frequency attached by ClinVar (database versions not stated): ESP Exome Variant Server 0.00008.

Submissions (2):

Labcorp Genetics (formerly Invitae), Labcorp
Classification: Likely benign for Parkinsonism-dystonia, infantile. Last evaluated: 2025-10-19. Review status: criteria provided, single submitter. Criteria: Invitae Variant Classification Sherloc (09022015). Collection method: clinical testing. Allele origin: germline.

PreventionGenetics, part of Exact Sciences
Classification: Likely benign for SLC6A3-related condition. Last evaluated: 2025-09-16. Review status: criteria provided, single submitter. Criteria: ACMG Guidelines, 2015. Collection method: clinical testing. Allele origin: germline.
Comment: This variant is classified as likely benign based on ACMG/AMP sequence variant interpretation guidelines (Richards et al. 2015 PMID: 25741868, with internal and published modifications).